The following is an entry in ClinVar:

NM_000094.4(COL7A1):c.6750+1G>A

Gene: COL7A1 (collagen type VII alpha 1 chain; minus strand). Cytogenetic location: 3p21.31.
Variant type: single nucleotide variant.
Coding change: c.6750+1G>A on transcript NM_000094.4 (MANE Select); the canonical splice donor site of the intron after coding-DNA position 6750, G replaced by A.
Molecular consequence: splice donor variant.
Genome position (GRCh38, 1-based): chr3:48,573,020, C>T on the plus strand (G>A on the coding strand, the complement: COL7A1 is on the minus strand). VCF-style: chr3-48573020-C-T. GRCh37 (hg19) VCF-style: chr3-48610453-C-T.
Identifiers: ClinVar variation 2748997 (VCV002748997.3), dbSNP rs2530914946, ClinGen allele CA352655006.
Genomic context (GRCh38, chr3:48,573,020, plus strand): 5'-TGTCAGGGCTGCCTGTCGACCCTTGACCCCTGGAGCCCAACCCTTGACCCCCAGAACTCA[C>T]CACTTGTCCAGGCAAACCTGGAGACCCCTGTGGACCCTGACGGAGAACAAGTCGGATGTC-3'

ClinVar aggregate classification (germline): Likely pathogenic (1 of 4 stars; one submission).

Submission:

Labcorp Genetics (formerly Invitae), Labcorp
Classification: Likely pathogenic. Last evaluated: 2023-08-01. Review status: criteria provided, single submitter. Criteria: Invitae Variant Classification Sherloc (09022015). Collection method: clinical testing. Allele origin: germline.
Comment: In summary, the currently available evidence indicates that the variant is pathogenic, but additional data are needed to prove that conclusively. Therefore, this variant has been classified as Likely Pathogenic. Algorithms developed to predict the effect of sequence changes on RNA splicing suggest that this variant may disrupt the consensus splice site. This variant has not been reported in the literature in individuals affected with COL7A1-related conditions. This variant is not present in population databases (gnomAD no frequency). This sequence change affects a donor splice site in intron 85 of the COL7A1 gene. It is expected to disrupt splicing. Variants that disrupt the donor or acceptor splice site typically lead to a loss of protein function (PMID: 16199547), and loss-of-function variants in COL7A1 are known to be disease-causing for autosomal recessive dystrophic epidermolysis bullosa (PMID: 16971478). However, certain variants affecting donor or acceptor splice sites in the triple helical domain of COL7A1 are expected to result in in-frame exon skipping and have been reported to cause autosomal dominant dystrophic epidermolysis bullosa (PMID: 31670143).

Literature cited by the submitters: PubMed 16199547; PubMed 16971478; PubMed 31670143.